The following is an entry in ClinVar:

ClinVar aggregate classification (germline): Uncertain significance (1 of 4 stars; one submission).

Allele frequency attached by ClinVar (database versions not stated): gnomAD exomes below 0.00001.

Submission:

Labcorp Genetics (formerly Invitae), Labcorp
Classification: Uncertain significance. Last evaluated: 2023-07-19. Review status: criteria provided, single submitter. Criteria: Invitae Variant Classification Sherloc (09022015). Collection method: clinical testing. Allele origin: germline.
Comment: This sequence change replaces leucine, which is neutral and non-polar, with phenylalanine, which is neutral and non-polar, at codon 117 of the ZIC4 protein (p.Leu117Phe). This variant is not present in population databases (gnomAD no frequency). This variant has not been reported in the literature in individuals affected with ZIC4-related conditions. An algorithm developed to predict the effect of missense changes on protein structure and function (PolyPhen-2) suggests that this variant is likely to be tolerated. In summary, the available evidence is currently insufficient to determine the role of this variant in disease. Therefore, it has been classified as a Variant of Uncertain Significance.

NM_032153.6(ZIC4):c.199C>T (p.Leu67Phe)

Gene: ZIC4 (Zic family zinc finger 4; minus strand). Cytogenetic location: 3q24.
Variant type: single nucleotide variant.
Coding change: c.199C>T on transcript NM_032153.6 (MANE Select); coding-DNA position 199, C replaced by T.
Protein change: p.Leu67Phe; replaces leucine 67 with phenylalanine.
Molecular consequence: missense variant. On other transcripts: intron variant (1).
Genome position (GRCh38, 1-based): chr3:147,396,341, G>A on the plus strand (C>T on the coding strand, the complement: ZIC4 is on the minus strand). VCF-style: chr3-147396341-G-A. GRCh37 (hg19) VCF-style: chr3-147114128-G-A.
Other names: c.349C>T, p.Leu117Phe (NM_001168378.1); c.313C>T, p.Leu105Phe (NM_001168379.2); c.71-5095C>T (NM_001243256.2); short protein forms L105F, L117F, L67F.
Identifiers: ClinVar variation 2970155 (VCV002970155.3), dbSNP rs2473089158, ClinGen allele CA354893351.